The following is an entry in ClinVar:

NM_006514.4(SCN10A):c.4694G>A (p.Ser1565Asn)

Gene: SCN10A (sodium voltage-gated channel alpha subunit 10; minus strand). Cytogenetic location: 3p22.2.
Variant type: single nucleotide variant.
Coding change: c.4694G>A on transcript NM_006514.4 (MANE Select); coding-DNA position 4694, G replaced by A.
Protein change: p.Ser1565Asn; replaces serine 1565 with asparagine.
Molecular consequence: missense variant.
Genome position (GRCh38, 1-based): chr3:38,698,526, C>T on the plus strand (G>A on the coding strand, the complement: SCN10A is on the minus strand). VCF-style: chr3-38698526-C-T. GRCh37 (hg19) VCF-style: chr3-38740017-C-T.
Other names: c.4691G>A, p.Ser1564Asn (NM_001293306.2); c.4400G>A, p.Ser1467Asn (NM_001293307.2); short protein forms S1565N, S1467N, S1564N.
Identifiers: ClinVar variation 516029 (VCV000516029.16), dbSNP rs200063383, ClinGen allele CA2319833.

ClinVar aggregate classification (germline): Benign/Likely benign. Review status: criteria provided, multiple submitters, no conflicts (2 of 4 stars). 5 submissions from 5 submitters: Benign (2); Likely benign (2). 1 of the submissions does not count toward it. Last evaluated 2025-11-03.

Conditions:
Cardiovascular phenotype. Identifiers: MedGen CN230736.
SCN10A-related disorder. Also called: SCN10A-related condition.
Brugada syndrome. Also called: Sudden unexpected nocturnal death syndrome; Sudden Unexplained Death Syndrome; Sudden Unexplained Nocturnal Death Syndrome (SUNDS); Sudden unexplained nocturnal death syndrome. Identifiers: Orphanet 130, MedGen C1142166, MONDO:0015263.

Allele frequency attached by ClinVar (database versions not stated): TOPMed 0.00004; ESP Exome Variant Server 0.00008; gnomAD 0.00034 and below 0.00001; gnomAD exomes 0.00078; ExAC 0.00100; 1000 Genomes Project 0.00319; 1000 Genomes Project 30x 0.00406.
gnomAD v4.1: 547 of 1,613,452 alleles (0.034%); highest among the groups gnomAD compares: South Asian, 0.57%; 5 homozygotes.

Submissions (5):

Labcorp Genetics (formerly Invitae), Labcorp
Classification: Benign for Brugada syndrome. Last evaluated: 2025-11-03. Review status: criteria provided, single submitter. Criteria: Invitae Variant Classification Sherloc (09022015). Collection method: clinical testing. Allele origin: germline.

Blueprint Genetics
Classification: Likely benign. Last evaluated: 2024-08-13. Review status: criteria provided, single submitter. Criteria: ACMG Guidelines, 2015. Collection method: clinical testing. Allele origin: germline.

Ambry Genetics
Classification: Benign for Cardiovascular phenotype. Last evaluated: 2020-09-15. Review status: criteria provided, single submitter. Criteria: Ambry Variant Classification Scheme 2023. Collection method: clinical testing. Allele origin: germline.

GeneDx
Classification: Likely benign. Last evaluated: 2018-03-09. Review status: criteria provided, single submitter. Criteria: GeneDx Variant Classification (06012015). Collection method: clinical testing. Allele origin: germline. Affected: yes.
Comment: This variant is considered likely benign or benign based on one or more of the following criteria: it is a conservative change, it occurs at a poorly conserved position in the protein, it is predicted to be benign by multiple in silico algorithms, and/or has population frequency not consistent with disease.

PreventionGenetics, part of Exact Sciences
Classification: Benign for SCN10A-related condition. Last evaluated: 2019-05-20. Review status: no assertion criteria provided. Collection method: clinical testing. Allele origin: germline. Not counted in ClinVar's aggregate classification.
Comment: This variant is classified as benign based on ACMG/AMP sequence variant interpretation guidelines (Richards et al. 2015 PMID: 25741868, with internal and published modifications).